The following is an entry in ClinVar:

ClinVar aggregate classification (germline): Benign. Review status: criteria provided, multiple submitters, no conflicts (2 of 4 stars). 5 submissions from 5 submitters: Benign (5). Last evaluated 2026-02-03.

Conditions:
Craniolenticulosutural dysplasia (CLSD). Also called: BOYADJIEV-JABS SYNDROME. Identifiers: Orphanet 50814, MedGen C1843042, MONDO:0011911, OMIM 607812.

Allele frequency attached by ClinVar (database versions not stated): ESP Exome Variant Server 0.83631; 1000 Genomes Project 0.77875; 1000 Genomes Project 30x 0.78232; TOPMed 0.82099.
gnomAD v4.1: 1,288,841 of 1,578,514 alleles (82%); highest among the groups gnomAD compares: African/African-American, 86%; 528,316 homozygotes.

Submissions (5):

Labcorp Genetics (formerly Invitae), Labcorp
Classification: Benign for Craniolenticulosutural dysplasia. Last evaluated: 2026-02-03. Review status: criteria provided, single submitter. Criteria: Invitae Variant Classification Sherloc (09022015). Collection method: clinical testing. Allele origin: germline.

Genome-Nilou Lab
Classification: Benign for Craniolenticulosutural dysplasia. Last evaluated: 2021-07-15. Review status: criteria provided, single submitter. Criteria: ACMG Guidelines, 2015. Collection method: clinical testing. Allele origin: germline. Affected: no.

GeneDx
Classification: Benign. Last evaluated: 2018-06-14. Review status: criteria provided, single submitter. Criteria: GeneDx Variant Classification (06012015). Collection method: clinical testing. Allele origin: germline. Affected: yes.
Comment: This variant is considered likely benign or benign based on one or more of the following criteria: it is a conservative change, it occurs at a poorly conserved position in the protein, it is predicted to be benign by multiple in silico algorithms, and/or has population frequency not consistent with disease.

Mayo Clinic Laboratories, Mayo Clinic
Classification: Benign. Last evaluated: 2017-12-19. Review status: criteria provided, single submitter. Criteria: ACMG Guidelines, 2015. Collection method: clinical testing. Allele origin: germline. Observed: 43 variant alleles.

Breakthrough Genomics
Classification: Benign. Review status: criteria provided, single submitter. Criteria: ACMG Guidelines, 2015. Collection method: not provided. Allele origin: germline. Inheritance: Autosomal recessive inheritance. Affected: yes.

NM_006364.4(SEC23A):c.631C>G (p.Leu211Val)

Gene: SEC23A (SEC23 homolog A, COPII component; minus strand). Cytogenetic location: 14q21.1.
Variant type: single nucleotide variant.
Coding change: c.631C>G on transcript NM_006364.4 (MANE Select); coding-DNA position 631, C replaced by G.
Protein change: p.Leu211Val; replaces leucine 211 with valine.
Molecular consequence: missense variant.
Genome position (GRCh38, 1-based): chr14:39,086,981, G>C on the plus strand (C>G on the coding strand, the complement: SEC23A is on the minus strand). VCF-style: chr14-39086981-G-C. GRCh37 (hg19) VCF-style: chr14-39556185-G-C.
Other names: p.Leu211Val; short protein forms L211V.
Identifiers: ClinVar variation 683729 (VCV000683729.14), dbSNP rs8018720, ClinGen allele CA7162087.